The following is an entry in ClinVar:

NM_000268.4(NF2):c.205A>G (p.Lys69Glu)

Gene: NF2 (NF2, moesin-ezrin-radixin like (MERLIN) tumor suppressor; plus strand). Cytogenetic location: 22q12.2.
Variant type: single nucleotide variant.
Coding change: c.205A>G on transcript NM_000268.4 (MANE Select); coding-DNA position 205, A replaced by G.
Protein change: p.Lys69Glu; replaces lysine 69 with glutamic acid.
Molecular consequence: missense variant. On other transcripts: 5 prime UTR variant (2), intron variant (6).
Genome position (GRCh38, 1-based): chr22:29,636,841, A>G. VCF-style: chr22-29636841-A-G. GRCh37 (hg19) VCF-style: chr22-30032830-A-G.
Other names: c.91A>G, p.Lys31Glu (NM_001407053.1, NM_001407056.1); c.205A>G, p.Lys69Glu (NM_001407054.1, NM_001407057.1, NM_001407058.1 and 9 more transcripts); c.-436A>G (NM_001407065.1); c.-52A>G (NM_001407067.1); c.115-2249A>G (NM_181828.3, NM_001407055.1); c.115-5361A>G (NM_001407063.1, NM_181830.3, NM_001407064.1 and 1 more transcripts); short protein forms K31E, K69E.
Identifiers: ClinVar variation 4861031 (VCV004861031.1).
Genomic context (GRCh38, chr22:29,636,841, plus strand): 5'-TTGGTGTGCCGGACTCTGGGGCTCCGAGAAACCTGGTTCTTTGGACTGCAGTACACAATC[A>G]AGGACACAGTGGCCTGGCTCAAAATGGACAAGAAGGTTGGGCTAGAACTCGATGAAACTG-3'
Protein context (NP_000259.1, residues 59-79): TWFFGLQYTI[Lys69Glu]DTVAWLKMDK

ClinVar aggregate classification (germline): Uncertain significance (1 of 4 stars; one submission).

Conditions:
Hereditary cancer-predisposing syndrome. Also called: Neoplastic Syndromes, Hereditary; Tumor predisposition; Hereditary Cancer Syndrome; Hereditary neoplastic syndrome. Identifiers: Orphanet 140162, MedGen C0027672, MeSH D009386, MONDO:0015356.

Submission:

Ambry Genetics
Classification: Uncertain significance for Hereditary cancer-predisposing syndrome. Last evaluated: 2026-05-28. Review status: criteria provided, single submitter. Criteria: Ambry Variant Classification Scheme 2023. Collection method: clinical testing. Allele origin: germline.
Comment: The p.K69E variant (also known as c.205A>G), located in coding exon 2 of the NF2 gene, results from an A to G substitution at nucleotide position 205. The lysine at codon 69 is replaced by glutamic acid, an amino acid with similar properties. This amino acid position is conserved. In addition, the in silico prediction for this alteration is inconclusive. Based on the available evidence, the clinical significance of this variant remains unclear.